The following is an entry in ClinVar:

NM_017849.4(TMEM127):c.327C>T (p.Ser109=)

Gene: TMEM127 (transmembrane protein 127; minus strand). Cytogenetic location: 2q11.2.
Variant type: single nucleotide variant.
Coding change: c.327C>T on transcript NM_017849.4 (MANE Select); coding-DNA position 327, C replaced by T.
Protein change: p.Ser109=; no amino-acid change (serine 109 retained).
Molecular consequence: synonymous variant.
Genome position (GRCh38, 1-based): chr2:96,254,915, G>A on the plus strand (C>T on the coding strand, the complement: TMEM127 is on the minus strand). VCF-style: chr2-96254915-G-A. GRCh37 (hg19) VCF-style: chr2-96920653-G-A.
Other names: c.327C>T, p.Ser109= (NM_001193304.3).
Identifiers: ClinVar variation 706705 (VCV000706705.44), dbSNP rs773650718, ClinGen allele CA1777350.

ClinVar aggregate classification (germline): Benign/Likely benign. Review status: criteria provided, multiple submitters, no conflicts (2 of 4 stars). 5 submissions from 5 submitters: Benign (1); Likely benign (4). Last evaluated 2026-07-30.

Conditions:
Hereditary pheochromocytoma and paraganglioma. Also called: Hereditary pheochromocytoma-paraganglioma; Hereditary paragangliomas and pheochromocytomas; Hereditary Paraganglioma-Pheochromocytoma Syndromes. Identifiers: Orphanet 29072, MedGen C4274332, MONDO:0017366.
Hereditary cancer-predisposing syndrome. Also called: Hereditary neoplastic syndrome; Neoplastic Syndromes, Hereditary; Tumor predisposition; Hereditary Cancer Syndrome. Identifiers: Orphanet 140162, MedGen C0027672, MeSH D009386, MONDO:0015356.

Allele frequency attached by ClinVar (database versions not stated): ExAC 0.00002; gnomAD 0.00001; gnomAD exomes 0.00002 and 0.00001.
gnomAD v4.1: 10 of 1,614,098 alleles (0.00062%); highest among the groups gnomAD compares: East Asian, 0.0045%; no homozygotes.

Submissions (5):

Myriad Genetics, Inc.
Classification: Benign for Hereditary pheochromocytoma and paraganglioma. Last evaluated: 2026-07-30. Review status: criteria provided, single submitter. Criteria: Myriad Autosomal Dominant, Autosomal Recessive and X-Linked Classification Criteria (2023). Collection method: clinical testing. Allele origin: unknown.
Comment: This variant is considered benign. This variant is a silent/synonymous amino acid change and it is not expected to impact splicing.

Labcorp Genetics (formerly Invitae), Labcorp
Classification: Likely benign for Hereditary pheochromocytoma and paraganglioma. Last evaluated: 2026-02-02. Review status: criteria provided, single submitter. Criteria: Invitae Variant Classification Sherloc (09022015). Collection method: clinical testing. Allele origin: germline.

CeGaT Center for Human Genetics Tuebingen
Classification: Likely benign. Last evaluated: 2025-04-01. Review status: criteria provided, single submitter. Criteria: CeGaT Center For Human Genetics Tuebingen Variant Classification Criteria Version 2. Collection method: clinical testing. Allele origin: germline. Affected: yes. Observed: 3 variant alleles.
Comment: TMEM127: BP4, BP7

Blueprint Genetics
Classification: Likely benign. Last evaluated: 2024-09-12. Review status: criteria provided, single submitter. Criteria: ACMG Guidelines, 2015. Collection method: clinical testing. Allele origin: germline.

Ambry Genetics
Classification: Likely benign for Hereditary cancer-predisposing syndrome. Last evaluated: 2018-11-08. Review status: criteria provided, single submitter. Criteria: Ambry Variant Classification Scheme 2023. Collection method: clinical testing. Allele origin: germline.